The following is an entry in ClinVar:

ClinVar aggregate classification (germline): Benign/Likely benign. Review status: criteria provided, multiple submitters, no conflicts (2 of 4 stars). 6 submissions from 6 submitters: Benign (2); Likely benign (4). Last evaluated 2026-02-04.

Conditions:
Ehlers-Danlos syndrome, spondylodysplastic type, 2 (EDSSPD2). Also called: Ehlers-Danlos syndrome, progeroid type, 2. Identifiers: Orphanet 536467, Orphanet 75496, MedGen C3809210, MONDO:0014139, OMIM 615349.
Spondyloepimetaphyseal dysplasia with joint laxity (SEMDJL). Identifiers: MedGen C0432243, MONDO:0019675.

Allele frequency attached by ClinVar (database versions not stated): gnomAD 0.15534 and 0.15260; 1000 Genomes Project 0.16154; gnomAD exomes 0.11681 and 0.07609; 1000 Genomes Project 30x 0.16068; TOPMed 0.16079.
gnomAD v4.1: 121,085 of 990,228 alleles (12%); highest among the groups gnomAD compares: African/African-American, 26%; 8,160 homozygotes.

Submissions (6):

Labcorp Genetics (formerly Invitae), Labcorp
Classification: Likely benign for Ehlers-Danlos syndrome, spondylodysplastic type, 2; Spondyloepimetaphyseal dysplasia with joint laxity. Last evaluated: 2026-02-04. Review status: criteria provided, single submitter. Criteria: Invitae Variant Classification Sherloc (09022015). Collection method: clinical testing. Allele origin: germline.

Women's Health and Genetics/Laboratory Corporation of America, LabCorp
Classification: Likely benign. Last evaluated: 2026-01-22. Review status: criteria provided, single submitter. Criteria: LabCorp Variant Classification Summary - May 2015. Collection method: clinical testing. Allele origin: germline.

Mayo Clinic Laboratories, Mayo Clinic
Classification: Benign. Last evaluated: 2022-04-26. Review status: criteria provided, single submitter. Criteria: ACMG Guidelines, 2015. Collection method: clinical testing. Allele origin: germline. Observed: 674 variant alleles.

GeneDx
Classification: Benign. Last evaluated: 2016-09-29. Review status: criteria provided, single submitter. Criteria: GeneDx Variant Classification (06012015). Collection method: clinical testing. Allele origin: germline. Affected: yes.
Comment: This variant is considered likely benign or benign based on one or more of the following criteria: it is a conservative change, it occurs at a poorly conserved position in the protein, it is predicted to be benign by multiple in silico algorithms, and/or has population frequency not consistent with disease.

Eurofins Ntd Llc (ga)
Classification: Likely benign. Last evaluated: 2015-02-10. Review status: criteria provided, single submitter. Criteria: EGL Classification Definitions 2015. Collection method: clinical testing. Allele origin: germline. Observed: 3 variant alleles, 3 heterozygotes.

Breakthrough Genomics
Classification: Likely benign. Review status: criteria provided, single submitter. Criteria: ACMG Guidelines, 2015. Collection method: not provided. Allele origin: germline. Inheritance: Autosomal recessive inheritance. Affected: yes.

NM_080605.4(B3GALT6):c.138C>T (p.Ser46=)

Gene: B3GALT6 (beta-1,3-galactosyltransferase 6; plus strand). Cytogenetic location: 1p36.33.
Variant type: single nucleotide variant.
Coding change: c.138C>T on transcript NM_080605.4 (MANE Select); coding-DNA position 138, C replaced by T.
Protein change: p.Ser46=; no amino-acid change (serine 46 retained).
Molecular consequence: synonymous variant.
Genome position (GRCh38, 1-based): chr1:1,232,416, C>T. VCF-style: chr1-1232416-C-T. GRCh37 (hg19) VCF-style: chr1-1167796-C-T.
Other names: p.Ser46=.
Identifiers: ClinVar variation 193478 (VCV000193478.18), dbSNP rs190796582, ClinGen allele CA200611.